The following is an entry in ClinVar:

ClinVar aggregate classification (germline): Uncertain significance (1 of 4 stars; one submission).

Submission:

Labcorp Genetics (formerly Invitae), Labcorp
Classification: Uncertain significance. Last evaluated: 2024-02-27. Review status: criteria provided, single submitter. Criteria: Invitae Variant Classification Sherloc (09022015). Collection method: clinical testing. Allele origin: germline.
Comment: This sequence change results in a frameshift in the NDUFA13 gene (p.Gly126Valfs*?). While this is not anticipated to result in nonsense mediated decay, it is expected to disrupt the last 19 amino acid(s) of the NDUFA13 protein and extend the protein by an uncertain number of additional amino acid residues. This variant is not present in population databases (gnomAD no frequency). This variant has not been reported in the literature in individuals affected with NDUFA13-related conditions. Experimental studies and prediction algorithms are not available or were not evaluated, and the functional significance of this variant is currently unknown. Algorithms developed to predict the effect of sequence changes on RNA splicing suggest that this variant may disrupt the consensus splice site. In summary, the available evidence is currently insufficient to determine the role of this variant in disease. Therefore, it has been classified as a Variant of Uncertain Significance.

NM_015965.7(NDUFA13):c.373_376dup (p.Gly126fs)

Gene: NDUFA13 (NADH:ubiquinone oxidoreductase subunit A13; plus strand). Cytogenetic location: 19p13.11.
Variant type: Duplication.
Coding change: c.373_376dup on transcript NM_015965.7 (MANE Select); coding-DNA positions 373 to 376, 4 bases duplicated (TACG; older notation c.373_376dupTACG).
Protein change: p.Gly126fs; shifts the reading frame from glycine 126.
Molecular consequence: frameshift variant.
Genome position (GRCh38, 1-based): chr19:19,528,064-19,528,067, TACG duplicated; duplicating any 4 consecutive bases within chr19:19,528,063-19,528,067 gives the same sequence; the c. name uses the placement nearest the transcript's 3' end. VCF-style (leftmost placement, unchanged base first): chr19-19528062-T-TGTAC. GRCh37 (hg19) VCF-style: chr19-19638871-T-TGTAC.
Other names: short protein forms G126fs.
Identifiers: ClinVar variation 3640057 (VCV003640057.2).